The following is an entry in ClinVar:

ClinVar aggregate classification (germline): Uncertain significance (1 of 4 stars; one submission).

Allele frequency attached by ClinVar (database versions not stated): gnomAD 0.00003; ExAC 0.00004; TOPMed 0.00004.
gnomAD v4.1: 28 of 1,613,852 alleles (0.0017%); highest among the groups gnomAD compares: Admixed American, 0.02%; no homozygotes.

Submission:

Labcorp Genetics (formerly Invitae), Labcorp
Classification: Uncertain significance. Last evaluated: 2025-10-10. Review status: criteria provided, single submitter. Criteria: Invitae Variant Classification Sherloc (09022015). Collection method: clinical testing. Allele origin: germline.
Comment: This sequence change replaces arginine, which is basic and polar, with glutamine, which is neutral and polar, at codon 219 of the MESDC2 protein (p.Arg219Gln). This variant is present in population databases (rs750663890, gnomAD 0.02%). This variant has not been reported in the literature in individuals affected with MESDC2-related conditions. ClinVar contains an entry for this variant (Variation ID: 2419095). An algorithm developed to predict the effect of missense changes on protein structure and function outputs the following: PolyPhen-2: "Benign". The glutamine amino acid residue is found in multiple mammalian species, which suggests that this missense change does not adversely affect protein function. In summary, the available evidence is currently insufficient to determine the role of this variant in disease. Therefore, it has been classified as a Variant of Uncertain Significance.

NM_015154.3(MESD):c.656G>A (p.Arg219Gln)

Gene: MESD (mesoderm development LRP chaperone; minus strand). Cytogenetic location: 15q25.1.
Variant type: single nucleotide variant.
Coding change: c.656G>A on transcript NM_015154.3 (MANE Select); coding-DNA position 656, G replaced by A.
Protein change: p.Arg219Gln; replaces arginine 219 with glutamine.
Molecular consequence: missense variant. On other transcripts: non-coding transcript variant (1).
Genome position (GRCh38, 1-based): chr15:80,979,268, C>T on the plus strand (G>A on the coding strand, the complement: MESD is on the minus strand). VCF-style: chr15-80979268-C-T. GRCh37 (hg19) VCF-style: chr15-81271609-C-T.
Other names: short protein forms R219Q.
Identifiers: ClinVar variation 2419095 (VCV002419095.4), dbSNP rs750663890, ClinGen allele CA7693855.